The following is an entry in ClinVar:

ClinVar aggregate classification (germline): Uncertain significance. Review status: criteria provided, multiple submitters, no conflicts (2 of 4 stars). 2 submissions from 2 submitters: Uncertain significance (2). Last evaluated 2025-12-17.

Conditions:
Inborn genetic diseases. Identifiers: MedGen C0950123, MeSH D030342.

Submissions (2):

Labcorp Genetics (formerly Invitae), Labcorp
Classification: Uncertain significance. Last evaluated: 2025-12-17. Review status: criteria provided, single submitter. Criteria: Invitae Variant Classification Sherloc (09022015). Collection method: clinical testing. Allele origin: germline.
Comment: This sequence change replaces methionine, which is neutral and non-polar, with threonine, which is neutral and polar, at codon 1603 of the FOCAD protein (p.Met1603Thr). This variant is present in population databases (rs199529959, gnomAD 0.2%), and has an allele count higher than expected for a pathogenic variant. This variant has not been reported in the literature in individuals affected with FOCAD-related conditions. ClinVar contains an entry for this variant (Variation ID: 3710102). Experimental studies and prediction algorithms are not available or were not evaluated, and the functional significance of this variant is currently unknown. In summary, the available evidence is currently insufficient to determine the role of this variant in disease. Therefore, it has been classified as a Variant of Uncertain Significance.

Ambry Genetics
Classification: Uncertain significance for Inborn genetic diseases. Last evaluated: 2025-01-24. Review status: criteria provided, single submitter. Criteria: Ambry Variant Classification Scheme 2023. Collection method: clinical testing. Allele origin: germline.

NM_001375567.1(FOCAD):c.4808T>C (p.Met1603Thr)

Gene: FOCAD (focadhesin; plus strand). Cytogenetic location: 9p21.3.
Variant type: single nucleotide variant.
Coding change: c.4808T>C on transcript NM_001375567.1 (MANE Select); coding-DNA position 4808, T replaced by C.
Protein change: p.Met1603Thr; replaces methionine 1603 with threonine.
Molecular consequence: missense variant.
Genome position (GRCh38, 1-based): chr9:20,986,367, T>C. VCF-style: chr9-20986367-T-C. GRCh37 (hg19) VCF-style: chr9-20986366-T-C.
Other names: c.4703T>C, p.Met1568Thr (NM_001375568.1, NM_001375570.1); c.4808T>C, p.Met1603Thr (NM_017794.5); c.4808T>C (NM_017794.3); short protein forms M1603T, M1568T.
Identifiers: ClinVar variation 3710102 (VCV003710102.3).